The following is an entry in ClinVar:

NM_005708.5(GPC6):c.-137C>T

Gene: GPC6 (glypican 6; plus strand). Cytogenetic location: 13q31.3.
Variant type: single nucleotide variant.
Coding change: c.-137C>T on transcript NM_005708.5 (MANE Select); 137 bases upstream of the start codon, C replaced by T.
Molecular consequence: 5 prime UTR variant.
Genome position (GRCh38, 1-based): chr13:93,227,320, C>T. VCF-style: chr13-93227320-C-T. GRCh37 (hg19) VCF-style: chr13-93879573-C-T.
Identifiers: ClinVar variation 312533 (VCV000312533.5), dbSNP rs188450235, ClinGen allele CA10639771.

ClinVar aggregate classification (germline): Benign (1 of 4 stars; one submission).

Conditions:
Autosomal recessive omodysplasia (OMOD1). Also called: MICROMELIC DYSPLASIA, CONGENITAL, WITH DISLOCATION OF RADIUS. Identifiers: Orphanet 2733, Orphanet 93329, MedGen C1850318, MONDO:0009779, OMIM 258315.

Allele frequency attached by ClinVar (database versions not stated): gnomAD exomes 0.00101; 1000 Genomes Project 0.00659; 1000 Genomes Project 30x 0.00671; gnomAD 0.00764 and 0.00824; TOPMed 0.00914.
gnomAD v4.1: 1,878 of 800,386 alleles (0.23%); highest among the groups gnomAD compares: African/African-American, 2.5%; 22 homozygotes.

Submission:

Illumina Laboratory Services, Illumina
Classification: Benign for Autosomal recessive omodysplasia. Last evaluated: 2018-01-12. Review status: criteria provided, single submitter. Criteria: ICSL Variant Classification Criteria 13 December 2019. Collection method: clinical testing. Allele origin: germline.
Comment: This variant was observed in the ICSL laboratory as part of a predisposition screen in an ostensibly healthy population. It had not been previously curated by ICSL or reported in the Human Gene Mutation Database (HGMD: prior to June 1st, 2018), and was therefore a candidate for classification through an automated scoring system. Utilizing variant allele frequency, disease prevalence and penetrance estimates, and inheritance mode, an automated score was calculated to assess if this variant is too frequent to cause the disease. Based on the score and internal cut-off values, a variant classified as benign is not then subjected to further curation. The score for this variant resulted in a classification of benign for this disease.